The following is an entry in ClinVar:

ClinVar aggregate classification (germline): Uncertain significance. Review status: criteria provided, multiple submitters, no conflicts (2 of 4 stars). 5 submissions from 5 submitters: Uncertain significance (5). Last evaluated 2026-04-21.

Conditions:
Amyotrophic lateral sclerosis type 12 (ALS12). Also called: AMYOTROPHIC LATERAL SCLEROSIS 12 WITH OR WITHOUT FRONTOTEMPORAL DEMENTIA. Identifiers: Orphanet 803, MedGen C3150692, MONDO:0013264, OMIM 613435.
Glaucoma 1, open angle, E. Identifiers: MedGen C1842026, MONDO:0007665.
Primary open angle glaucoma (POAG). Also called: OPTN-related open angle glaucoma. Identifiers: MedGen C0339573, MONDO:0100553, OMIM 137760.
Inborn genetic diseases. Identifiers: MedGen C0950123, MeSH D030342.

Allele frequency attached by ClinVar (database versions not stated): gnomAD 0.00001; TOPMed 0.00001; ExAC 0.00002; gnomAD exomes 0.00002.
gnomAD v4.1: 24 of 1,606,802 alleles (0.0015%); highest among the groups gnomAD compares: Non-Finnish European, 0.0019%; no homozygotes.

Submissions (5):

GeneDx
Classification: Uncertain significance. Last evaluated: 2026-04-21. Review status: criteria provided, single submitter. Criteria: GeneDx Variant Classification Process June 2021. Collection method: clinical testing. Allele origin: germline.
Comment: Identified in a patient with clinical features of primary lateral sclerosis including bulbar symptoms, carpal tunnel syndrome, and ulnar neuropathy (PMID: 37133535); In silico analysis supports that this missense variant has a deleterious effect on protein structure/function; Not observed at significant frequency in large population cohorts (gnomAD); This variant is associated with the following publications: (PMID: 37133535)

Labcorp Genetics (formerly Invitae), Labcorp
Classification: Uncertain significance for Primary open angle glaucoma; Glaucoma 1, open angle, E; Amyotrophic lateral sclerosis type 12. Last evaluated: 2025-11-03. Review status: criteria provided, single submitter. Criteria: Invitae Variant Classification Sherloc (09022015). Collection method: clinical testing. Allele origin: germline.
Comment: This sequence change replaces leucine, which is neutral and non-polar, with proline, which is neutral and non-polar, at codon 410 of the OPTN protein (p.Leu410Pro). This variant is present in population databases (rs747263866, gnomAD 0.003%). This missense change has been observed in individual(s) with primary lateral sclerosis (PMID: 37133535). ClinVar contains an entry for this variant (Variation ID: 1755066). An algorithm developed to predict the effect of missense changes on protein structure and function (PolyPhen-2) suggests that this variant is likely to be disruptive. In summary, the available evidence is currently insufficient to determine the role of this variant in disease. Therefore, it has been classified as a Variant of Uncertain Significance.

Women's Health and Genetics/Laboratory Corporation of America, LabCorp
Classification: Uncertain significance. Last evaluated: 2024-07-30. Review status: criteria provided, single submitter. Criteria: LabCorp Variant Classification Summary - May 2015. Collection method: clinical testing. Allele origin: germline.
Comment: Variant summary: OPTN c.1229T>C (p.Leu410Pro) results in a non-conservative amino acid change located in the NF-kappa-B essential modulator NEMO, CC2-LZ domain (IPR032419) of the encoded protein sequence. Four of five in-silico tools predict a damaging effect of the variant on protein function. The variant allele was found at a frequency of 1.2e-05 in 250750 control chromosomes. The available data on variant occurrences in the general population are insufficient to allow any conclusion about variant significance. c.1229T>C has been reported in the literature in one individual affected with Primary lateral sclerosis (example, deBoer_2023). These report(s) do not provide unequivocal conclusions about association of the variant with OPTN-Related Disorders. To our knowledge, no experimental evidence demonstrating an impact on protein function has been reported. The following publication has been ascertained in the context of this evaluation (PMID: 37133535). ClinVar contains an entry for this variant (Variation ID: 1755066). Based on the evidence outlined above, the variant was classified as uncertain significance.

CeGaT Center for Human Genetics Tuebingen
Classification: Uncertain significance. Last evaluated: 2022-04-01. Review status: criteria provided, single submitter. Criteria: CeGaT Center For Human Genetics Tuebingen Variant Classification Criteria Version 2. Collection method: clinical testing. Allele origin: germline. Affected: yes. Observed: 1 variant allele.
Comment: OPTN: PM2

Ambry Genetics
Classification: Uncertain significance for Inborn genetic diseases. Last evaluated: 2020-11-19. Review status: criteria provided, single submitter. Criteria: Ambry Variant Classification Scheme 2023. Collection method: clinical testing. Allele origin: germline.
Comment: The p.L410P variant (also known as c.1229T>C), located in coding exon 9 of the OPTN gene, results from a T to C substitution at nucleotide position 1229. The leucine at codon 410 is replaced by proline, an amino acid with similar properties. This amino acid position is highly conserved in available vertebrate species. In addition, the in silico prediction for this alteration is inconclusive. Since supporting evidence is limited at this time, the clinical significance of this alteration remains unclear.

Literature cited by the submitters: PubMed 37133535 (cited by Labcorp Genetics (formerly Invitae), Labcorp and Women's Health and Genetics/Laboratory Corporation of America, LabCorp).

NM_001008212.2(OPTN):c.1229T>C (p.Leu410Pro)

Gene: OPTN (optineurin; plus strand). Cytogenetic location: 10p13.
Variant type: single nucleotide variant.
Coding change: c.1229T>C on transcript NM_001008212.2 (MANE Select); coding-DNA position 1229, T replaced by C.
Protein change: p.Leu410Pro; replaces leucine 410 with proline.
Molecular consequence: missense variant.
Genome position (GRCh38, 1-based): chr10:13,126,026, T>C. VCF-style: chr10-13126026-T-C. GRCh37 (hg19) VCF-style: chr10-13168026-T-C.
Other names: c.1229T>C, p.Leu410Pro (NM_001008211.1, NM_001008213.1, NM_021980.4); short protein forms L410P.
Identifiers: ClinVar variation 1755066 (VCV001755066.33), dbSNP rs747263866, ClinGen allele CA5410905.